The following is an entry in ClinVar:

NM_000093.5(COL5A1):c.57G>A (p.Leu19=)

Gene: COL5A1 (collagen type V alpha 1 chain; plus strand). Cytogenetic location: 9q34.3.
Variant type: single nucleotide variant.
Coding change: c.57G>A on transcript NM_000093.5 (MANE Select); coding-DNA position 57, G replaced by A.
Protein change: p.Leu19=; no amino-acid change (leucine 19 retained).
Molecular consequence: synonymous variant.
Genome position (GRCh38, 1-based): chr9:134,642,244, G>A. VCF-style: chr9-134642244-G-A. GRCh37 (hg19) VCF-style: chr9-137534090-G-A.
Other names: c.57G>A, p.Leu19= (NM_001278074.1); c.57G>A (NM_000093.3).
Identifiers: ClinVar variation 696848 (VCV000696848.24), dbSNP rs761259908, ClinGen allele CA201068644.

ClinVar aggregate classification (germline): Conflicting classifications of pathogenicity. Review status: criteria provided, conflicting classifications (1 of 4 stars). 5 submissions from 5 submitters: Uncertain significance (1); Likely benign (4). Last evaluated 2026-01-16.

Conditions:
Ehlers-Danlos syndrome, classic type, 1 (EDSCL1). Also called: EHLERS-DANLOS SYNDROME, GRAVIS TYPE; EHLERS-DANLOS SYNDROME, SEVERE CLASSIC TYPE; Ehlers-Danlos syndrome, type 1; Ehlers-Danlos Syndrome, Classic Type, COL5A1-Related; EDS I. Identifiers: MedGen C0268335, MONDO:0019567, OMIM 130000.
Ehlers-Danlos syndrome, classic type, 2 (EDSCL2). Also called: Ehlers-Danlos syndrome, type 2; Ehlers-Danlos Syndrome, Classic Type, COL5A2-Related; Ehlers-Danlos syndrome type 2 (formerly). Identifiers: Orphanet 287, Orphanet 90318, MedGen C0268336, MONDO:0019568, OMIM 130010.
Familial thoracic aortic aneurysm and aortic dissection (TAAD). Also called: Thoracic aortic aneurysms and dissections. Identifiers: Orphanet 91387, MedGen C4707243, MONDO:0019625.

Allele frequency attached by ClinVar (database versions not stated): gnomAD 0.00002; TOPMed 0.00002.
gnomAD v4.1: 14 of 1,282,948 alleles (0.0011%); highest among the groups gnomAD compares: Non-Finnish European, 0.0014%; no homozygotes.

Submissions (5):

Labcorp Genetics (formerly Invitae), Labcorp
Classification: Likely benign for Ehlers-Danlos syndrome, classic type, 1. Last evaluated: 2026-01-16. Review status: criteria provided, single submitter. Criteria: Invitae Variant Classification Sherloc (09022015). Collection method: clinical testing. Allele origin: germline.

Blueprint Genetics
Classification: Likely benign. Last evaluated: 2024-01-03. Review status: criteria provided, single submitter. Criteria: ACMG Guidelines, 2015. Collection method: clinical testing. Allele origin: germline.

Ambry Genetics
Classification: Likely benign for Familial thoracic aortic aneurysm and aortic dissection. Last evaluated: 2022-12-06. Review status: criteria provided, single submitter. Criteria: Ambry Variant Classification Scheme 2023. Collection method: clinical testing. Allele origin: germline.

ARUP Laboratories, Molecular Genetics and Genomics, ARUP Laboratories
Classification: Likely benign. Last evaluated: 2021-02-14. Review status: criteria provided, single submitter. Criteria: ARUP Molecular Germline Variant Investigation Process 2021. Collection method: clinical testing. Allele origin: germline.

Centre for Mendelian Genomics, University Medical Centre Ljubljana
Classification: Uncertain significance for Ehlers-Danlos syndrome, classic type, 2. Last evaluated: 2019-08-20. Review status: criteria provided, single submitter. Criteria: ACMG Guidelines, 2015. Collection method: clinical testing. Allele origin: unknown. Affected: yes.
Comment: This variant was classified as: Uncertain significance. The available evidence on this variant's pathogenicity is insufficient or conflicting. The following ACMG criteria were applied in classifying this variant: PM2.